The following is an entry in ClinVar:

NM_016120.4(RLIM):c.1685G>A (p.Gly562Asp)

Gene: RLIM (ring finger protein, LIM domain interacting; minus strand). Cytogenetic location: Xq13.2.
Variant type: single nucleotide variant.
Coding change: c.1685G>A on transcript NM_016120.4 (MANE Select); coding-DNA position 1685, G replaced by A.
Protein change: p.Gly562Asp; replaces glycine 562 with aspartic acid.
Molecular consequence: missense variant.
Genome position (GRCh38, 1-based): chrX:74,591,630, C>T on the plus strand (G>A on the coding strand, the complement: RLIM is on the minus strand). VCF-style: chrX-74591630-C-T. GRCh37 (hg19) VCF-style: chrX-73811465-C-T.
Other names: c.1685G>A, p.Gly562Asp (NM_183353.3); short protein forms G562D.
Identifiers: ClinVar variation 3903376 (VCV003903376.2).

ClinVar aggregate classification (germline): Uncertain significance (1 of 4 stars; one submission).

Submission:

GeneDx
Classification: Uncertain significance. Last evaluated: 2026-03-20. Review status: criteria provided, single submitter. Criteria: GeneDx Variant Classification Process June 2021. Collection method: clinical testing. Allele origin: germline.
Comment: Not observed at significant frequency in large population cohorts (gnomAD); In silico analysis supports that this missense variant has a deleterious effect on protein structure/function; Has not been previously published as pathogenic or benign to our knowledge